The following is an entry in ClinVar:

ClinVar aggregate classification (germline): Benign/Likely benign. Review status: criteria provided, multiple submitters, no conflicts (2 of 4 stars). 5 submissions from 5 submitters: Benign (3); Likely benign (2). Last evaluated 2025-12-31.

Conditions:
Thrombocytopenia 2 (THC2). Also called: ANKRD26-Related Thrombocytopenia. Identifiers: Orphanet 268322, MedGen C1861185, MONDO:0008555, OMIM 188000.

Allele frequency attached by ClinVar (database versions not stated): ESP Exome Variant Server 0.00009; ExAC 0.00012; gnomAD exomes 0.00012; 1000 Genomes Project 30x 0.00016; 1000 Genomes Project 0.00020; TOPMed 0.00025; gnomAD 0.00028 and 0.00029.
gnomAD v4.1: 179 of 1,612,540 alleles (0.011%); highest among the groups gnomAD compares: African/African-American, 0.084%; 2 homozygotes.

Submissions (5):

Labcorp Genetics (formerly Invitae), Labcorp
Classification: Benign. Last evaluated: 2025-12-31. Review status: criteria provided, single submitter. Criteria: Invitae Variant Classification Sherloc (09022015). Collection method: clinical testing. Allele origin: germline.

Blueprint Genetics
Classification: Likely benign. Last evaluated: 2024-02-07. Review status: criteria provided, single submitter. Criteria: ACMG Guidelines, 2015. Collection method: clinical testing. Allele origin: germline.

Genome-Nilou Lab
Classification: Benign for Thrombocytopenia 2. Last evaluated: 2021-12-05. Review status: criteria provided, single submitter. Criteria: ACMG Guidelines, 2015. Collection method: clinical testing. Allele origin: germline. Affected: no.

Genetic Services Laboratory, University of Chicago
Classification: Likely benign. Last evaluated: 2021-06-07. Review status: criteria provided, single submitter. Criteria: ACMG Guidelines, 2015. Collection method: clinical testing. Allele origin: germline. Affected: no.

Illumina Laboratory Services, Illumina
Classification: Benign for Thrombocytopenia 2. Last evaluated: 2018-01-12. Review status: criteria provided, single submitter. Criteria: ICSL Variant Classification Criteria 13 December 2019. Collection method: clinical testing. Allele origin: germline.
Comment: This variant was observed in the ICSL laboratory as part of a predisposition screen in an ostensibly healthy population. It had not been previously curated by ICSL or reported in the Human Gene Mutation Database (HGMD: prior to June 1st, 2018), and was therefore a candidate for classification through an automated scoring system. Utilizing variant allele frequency, disease prevalence and penetrance estimates, and inheritance mode, an automated score was calculated to assess if this variant is too frequent to cause the disease. Based on the score and internal cut-off values, a variant classified as benign is not then subjected to further curation. The score for this variant resulted in a classification of benign for this disease.

NM_014915.3(ANKRD26):c.2697+9A>G

Gene: ANKRD26 (ankyrin repeat domain 26; minus strand). Cytogenetic location: 10p12.1.
Variant type: single nucleotide variant.
Coding change: c.2697+9A>G on transcript NM_014915.3 (MANE Select); 9 bases into the intron after coding-DNA position 2697, A replaced by G.
Molecular consequence: intron variant.
Genome position (GRCh38, 1-based): chr10:27,037,177, T>C on the plus strand (A>G on the coding strand, the complement: ANKRD26 is on the minus strand). VCF-style: chr10-27037177-T-C. GRCh37 (hg19) VCF-style: chr10-27326106-T-C.
Other names: c.2694+9A>G (NM_001256053.2).
Identifiers: ClinVar variation 880061 (VCV000880061.13), dbSNP rs370796881, ClinGen allele CA5448168.